The following is an entry in ClinVar:

ClinVar aggregate classification (germline): Uncertain significance (1 of 4 stars; one submission).

Conditions:
SLC35A1-congenital disorder of glycosylation. Also called: CDG IIf; SLC35A1-CDG; CONGENITAL DISORDER OF GLYCOSYLATION, TYPE IIf. Identifiers: Orphanet 238459, MedGen C1970344, MONDO:0011342, OMIM 603585.

Allele frequency attached by ClinVar (database versions not stated): gnomAD 0.00001; 1000 Genomes Project 30x 0.00016; 1000 Genomes Project 0.00020.
gnomAD v4.1: 1 of 1,614,066 alleles (0.000062%); highest among the groups gnomAD compares: Admixed American, 0.0017%; no homozygotes.

Submission:

Labcorp Genetics (formerly Invitae), Labcorp
Classification: Uncertain significance for SLC35A1-congenital disorder of glycosylation. Last evaluated: 2021-10-05. Review status: criteria provided, single submitter. Criteria: Invitae Variant Classification Sherloc (09022015). Collection method: clinical testing. Allele origin: germline.
Comment: In summary, the available evidence is currently insufficient to determine the role of this variant in disease. Therefore, it has been classified as a Variant of Uncertain Significance. Algorithms developed to predict the effect of missense changes on protein structure and function (SIFT, PolyPhen-2, Align-GVGD) all suggest that this variant is likely to be tolerated. This variant has not been reported in the literature in individuals affected with SLC35A1-related conditions. This variant is not present in population databases (ExAC no frequency). This sequence change replaces valine with leucine at codon 255 of the SLC35A1 protein (p.Val255Leu). The valine residue is highly conserved and there is a small physicochemical difference between valine and leucine.

NM_006416.5(SLC35A1):c.763G>C (p.Val255Leu)

Gene: SLC35A1 (solute carrier family 35 member A1; plus strand). Cytogenetic location: 6q15.
Variant type: single nucleotide variant.
Coding change: c.763G>C on transcript NM_006416.5 (MANE Select); coding-DNA position 763, G replaced by C.
Protein change: p.Val255Leu; replaces valine 255 with leucine.
Molecular consequence: missense variant.
Genome position (GRCh38, 1-based): chr6:87,509,052, G>C. VCF-style: chr6-87509052-G-C. GRCh37 (hg19) VCF-style: chr6-88218770-G-C.
Other names: c.586G>C, p.Val196Leu (NM_001168398.2); short protein forms V255L, V196L.
Identifiers: ClinVar variation 1508884 (VCV001508884.6), dbSNP rs550275644, ClinGen allele CA142837787.
Genomic context (GRCh38, chr6:87,509,052, plus strand): 5'-ATGTTTCATTTATTTGAGTGATAAGATTTTATTTCTCTCTGTATACAAGTTCTTGCAAGT[G>C]TTGGTGGCCTCTACACTTCTGTTGTGGTTAAGTACACAGACAACATCATGAAAGGCTTTT-3'
Protein context (NP_006407.1, residues 245-265): YVWFVIFLAS[Val255Leu]GGLYTSVVVK